The following is an entry in ClinVar:

NM_078480.3(PUF60):c.449_457del (p.Ala150_Phe152del)

Gene: PUF60 (poly(U) binding splicing factor 60; minus strand). Cytogenetic location: 8q24.3.
Variant type: Deletion.
Coding change: c.449_457del on transcript NM_078480.3 (MANE Select); coding-DNA positions 449 to 457, 9 bases deleted (CCCCCTTTG; older notation c.449_457delCCCCCTTTG).
Protein change: p.Ala150_Phe152del.
Molecular consequence: inframe deletion.
Genome position (GRCh38, 1-based): chr8:143,818,426-143,818,434, CAAAGGGGG deleted on the plus strand (CCCCCTTTG on the coding strand, the reverse complement: PUF60 is on the minus strand); deleting any 9 consecutive bases within chr8:143,818,426-143,818,440 gives the same sequence; the c. name uses the placement nearest the transcript's 3' end. VCF-style (leftmost placement, unchanged base first): chr8-143818425-CCAAAGGGGG-C. GRCh37 (hg19) VCF-style: chr8-144900595-CCAAAGGGGG-C.
Other names: c.320_328del, p.Ala107_Phe109del (NM_001136033.3); c.395_403del, p.Ala132_Phe134del (NM_001271096.2); c.311_319del, p.Ala104_Phe106del (NM_001271097.2); c.446_454del, p.Ala149_Phe151del (NM_001271098.2); c.362_370del, p.Ala121_Phe123del (NM_001271099.2); c.269_277del, p.Ala90_Phe92del (NM_001271100.2); c.560_568del, p.Ala187_Phe189del (NM_001362895.2, NM_001362896.2); c.509_517del, p.Ala170_Phe172del (NM_001362897.2); and 1 more.
Identifiers: ClinVar variation 430808 (VCV000430808.14), dbSNP rs1131692232, ClinGen allele CA645372865.
Genomic context (GRCh38, chr8:143,818,425, plus strand): 5'-CTGCTGACCTTGTGCTTCATGGTGACGGAGTCCCAGGACATGTCGATGCTCTTGATGGGG[CCAAAGGGGG>C]CAAAGGCCTGGCGGATGGTGTCCTCCCCCAGCTCATAGTAGATAGAGCCCACGTAGACGC-3'

ClinVar aggregate classification (germline): Pathogenic/Likely pathogenic. Review status: criteria provided, multiple submitters, no conflicts (2 of 4 stars). 11 submissions from 10 submitters: Pathogenic (7); Likely pathogenic (1). 3 of the submissions do not count toward it. Last evaluated 2025-07-01.

Conditions:
8q24.3 microdeletion syndrome. Also called: CHROMOSOME 8q24.3 DELETION SYNDROME; Verheij syndrome. Identifiers: Orphanet 508488, MedGen C3810023, MONDO:0014263, OMIM 615583.
Inborn genetic diseases. Identifiers: MedGen C0950123, MeSH D030342.

Submissions (11):

3billion
Classification: Pathogenic for 8q24.3 microdeletion syndrome. Last evaluated: 2025-07-01. Review status: criteria provided, single submitter. Criteria: ACMG Guidelines, 2015. Collection method: clinical testing. Allele origin: germline. Affected: yes.
Comment: The variant is not observed in the gnomAD v4.1.0 dataset. Predicted Consequence/Location: Inframe deletion located in a nonrepeat region: predicted to change the length of the protein and disrupt normal protein function. The variant has been observed in at least two similarly affected unrelated individuals (PMID: 33057194, 35322241). The variant has been reported at least twice as pathogenic with clinical assertions and evidence for the classification (ClinVar ID: VCV000430808 /PMID: 36367278). Therefore, this variant is classified as Pathogenic according to the recommendation of ACMG/AMP guideline.

Labcorp Genetics (formerly Invitae), Labcorp
Classification: Pathogenic. Last evaluated: 2024-11-04. Review status: criteria provided, single submitter. Criteria: Invitae Variant Classification Sherloc (09022015). Collection method: clinical testing. Allele origin: germline.
Comment: This variant, c.449_457del, results in the deletion of 3 amino acid(s) of the PUF60 protein (p.Ala150_Phe152del), but otherwise preserves the integrity of the reading frame. This variant is not present in population databases (gnomAD no frequency). This variant has been observed in individual(s) with clinical features of PUF60-related conditions (PMID: 33057194, 35322241, 35982159, 36134573, 36367278, 37303278). In at least one individual the variant was observed to be de novo. ClinVar contains an entry for this variant (Variation ID: 430808). Experimental studies and prediction algorithms are not available or were not evaluated, and the functional significance of this variant is currently unknown. For these reasons, this variant has been classified as Pathogenic.

Daryl Scott Lab, Baylor College of Medicine
Classification: Pathogenic for 8q24.3 microdeletion syndrome. Last evaluated: 2024-04-01. Review status: criteria provided, single submitter. Criteria: ACMG Guidelines, 2015. Collection method: research. Allele origin: de novo. Affected: yes. Observed: 1 heterozygote.
Comment: PS2, PS4, PM2

Ambry Genetics
Classification: Pathogenic for Inborn genetic diseases. Last evaluated: 2024-02-16. Review status: criteria provided, single submitter. Criteria: Ambry Variant Classification Scheme 2023. Collection method: clinical testing. Allele origin: germline.
Comment: The c.449_457delCCCCCTTTG (p.A150_F152delL) alteration, located in coding exon 6 of the PUF60 gene, results from an in-frame deletion of 9 nucleotides at positions c.449 to c.457. This results in the deletion of 3 amino acids between codons 150 and 152. This variant was not reported in population-based cohorts in the Genome Aggregation Database (gnomAD). This variant has been determined to be the result of a de novo mutation in multiple individuals with features consistent with Verheij syndrome (Brea-Fern&aacute;ndez, 2022; Grimes, 2023; Ambry internal data). Additionally, this variant has been detected in one individual with developmental delay and intellectual disability, feeding difficulties, narrow palpebral fissures, prominent forehead, wide nasal bridge, joint laxity, and polydactyly (Fennell, 2022). This amino acid position is highly conserved in available vertebrate species. This alteration is predicted to be deleterious by in silico analysis (Choi, 2012). Based on the available evidence, this alteration is classified as pathogenic.

GeneDx
Classification: Pathogenic. Last evaluated: 2023-07-15. Review status: criteria provided, single submitter. Criteria: GeneDx Variant Classification Process June 2021. Collection method: clinical testing. Allele origin: germline. Affected: yes.
Comment: Not observed in large population cohorts (gnomAD); In-frame deletion of 3 amino acids in a non-repeat region; In silico analysis, which includes protein predictors and evolutionary conservation, supports a deleterious effect; This variant is associated with the following publications: (PMID: 27535533, 36134573, 37303278)

HudsonAlpha Institute for Biotechnology
Classification: Likely pathogenic for 8q24.3 microdeletion syndrome. Last evaluated: 2023-05-17. Review status: criteria provided, single submitter. Criteria: ACMG Guidelines, 2015. Collection method: research. Allele origin: maternal. Affected: yes. Observed: 1 variant allele. Study: CSER-HudsonAlpha.

Laboratoire de Génétique Moléculaire, CHU Bordeaux
Classification: Pathogenic for 8q24.3 microdeletion syndrome. Last evaluated: 2023-03-27. Review status: criteria provided, single submitter. Criteria: ACMG Guidelines, 2015. Collection method: clinical testing. Allele origin: germline. Affected: yes.

HudsonAlpha Institute for Biotechnology
Classification: Pathogenic for 8q24.3 microdeletion syndrome. Last evaluated: 2017-06-07. Review status: criteria provided, single submitter. Criteria: HA_PGEN_assertions_20170620. Collection method: research. Allele origin: de novo. Affected: yes. Observed: 1 variant allele.

Solve-RD Consortium
Classification: Likely pathogenic for 8q24.3 microdeletion syndrome. Last evaluated: 2022-06-01. Review status: no assertion criteria provided. Collection method: provider interpretation. Allele origin: inherited. Affected: yes. Not counted in ClinVar's aggregate classification.
Comment: Variant confirmed as disease-causing by referring clinical team

Variant identified during reanalysis of unsolved cases by the Solve-RD project. The Solve-RD project has received funding from the European Union’s Horizon 2020 research and innovation programme under grant agreement No 779257.

Centre de Biologie Pathologie Génétique, Centre Hospitalier Universitaire de Lille
Classification: Pathogenic for Verheij syndrome. Last evaluated: 2019-01-01. Review status: no assertion criteria provided. Collection method: clinical testing. Allele origin: de novo. Affected: yes. Not counted in ClinVar's aggregate classification.

Molecular Genetics laboratory, Necker Hospital
Classification: Likely pathogenic. Last evaluated: 2018-07-09. Review status: no assertion criteria provided. Collection method: clinical testing. Allele origin: de novo. Affected: yes. Not counted in ClinVar's aggregate classification.

Literature cited by the submitters: PubMed 33057194 (cited by 3billion and Labcorp Genetics (formerly Invitae), Labcorp); PubMed 35322241 (cited by 3 submitters); PubMed 36367278 (cited by 3 submitters); PubMed 35982159 (cited by Labcorp Genetics (formerly Invitae), Labcorp); PubMed 36134573 (cited by Labcorp Genetics (formerly Invitae), Labcorp); PubMed 37303278 (cited by Labcorp Genetics (formerly Invitae), Labcorp and Ambry Genetics); PubMed 39825153 (cited by Solve-RD Consortium).